The following is an entry in ClinVar:

ClinVar aggregate classification (germline): Pathogenic (1 of 4 stars; one submission).

Conditions:
Immunodeficiency 104. Also called: Severe combined immunodeficiency, autosomal recessive, T cell-negative, B cell-positive, NK cell-positive; SCID, AUTOSOMAL RECESSIVE, T CELL-NEGATIVE, B CELL-POSITIVE, NK CELL-POSITIVE; Severe Combined Immune Deficiency, Autosomal Recessive, TCell -Negative, B Cell-Positive, NK Cell-Positive, IL7R-Related; IMMUNODEFICIENCY 104, SEVERE COMBINED. Identifiers: MedGen C5676890, MONDO:0012163, OMIM 608971.

gnomAD v4.1: 8 of 1,613,970 alleles (0.0005%); highest among the groups gnomAD compares: Non-Finnish European, 0.00068%; no homozygotes.

Submission:

Labcorp Genetics (formerly Invitae), Labcorp
Classification: Pathogenic for Immunodeficiency 104. Last evaluated: 2023-05-11. Review status: criteria provided, single submitter. Criteria: Invitae Variant Classification Sherloc (09022015). Collection method: clinical testing. Allele origin: germline.
Comment: This sequence change creates a premature translational stop signal (p.Glu66*) in the PTPRC gene. It is expected to result in an absent or disrupted protein product. Loss-of-function variants in PTPRC are known to be pathogenic (PMID: 10700239). This variant is not present in population databases (gnomAD no frequency). This variant has not been reported in the literature in individuals affected with PTPRC-related conditions. Algorithms developed to predict the effect of sequence changes on RNA splicing suggest that this variant may disrupt the consensus splice site. For these reasons, this variant has been classified as Pathogenic.

Literature cited by the submitters: PubMed 10700239.

NM_002838.5(PTPRC):c.196G>T (p.Glu66Ter)

Gene: PTPRC (protein tyrosine phosphatase receptor type C; plus strand). Cytogenetic location: 1q31.3.
Variant type: single nucleotide variant.
Coding change: c.196G>T on transcript NM_002838.5 (MANE Select); coding-DNA position 196, G replaced by T.
Protein change: p.Glu66Ter; replaces glutamic acid 66 with a stop codon.
Molecular consequence: nonsense. On other transcripts: intron variant (1).
Genome position (GRCh38, 1-based): chr1:198,696,807, G>T. VCF-style: chr1-198696807-G-T. GRCh37 (hg19) VCF-style: chr1-198665936-G-T.
Other names: c.100+4434G>T (NM_080921.4); short protein forms E66*.
Identifiers: ClinVar variation 2876735 (VCV002876735.3), dbSNP rs776696394, ClinGen allele CA344096881.
Genomic context (GRCh38, chr1:198,696,807, plus strand): 5'-TCAAGTGACCCCTTACCTACTCACACCACTGCATTCTCACCCGCAAGCACCTTTGAAAGA[G>T]AAAATGACTTCTCAGAGACCACAACTTCTCTTAGTCCAGACAATACTTCCACCCAAGTAT-3'